The following is an entry in ClinVar:

NM_001330723.2(SNX27):c.1457T>C (p.Phe486Ser)

Gene: SNX27 (sorting nexin 27; plus strand). Cytogenetic location: 1q21.3.
Variant type: single nucleotide variant.
Coding change: c.1457T>C on transcript NM_001330723.2 (MANE Select); coding-DNA position 1457, T replaced by C.
Protein change: p.Phe486Ser; replaces phenylalanine 486 with serine.
Molecular consequence: missense variant.
Genome position (GRCh38, 1-based): chr1:151,692,978, T>C. VCF-style: chr1-151692978-T-C. GRCh37 (hg19) VCF-style: chr1-151665454-T-C.
Other names: c.1457T>C, p.Phe486Ser (NM_030918.6); short protein forms F486S.
Identifiers: ClinVar variation 1059233 (VCV001059233.9), dbSNP rs2102743959, ClinGen allele CA341973106.

ClinVar aggregate classification (germline): Uncertain significance (1 of 4 stars; one submission).

Conditions:
Severe myoclonic epilepsy in infancy (DRVT). Also called: DEVELOPMENTAL AND EPILEPTIC ENCEPHALOPATHY 6A; Severe Myoclonic Epilepsy in Infancy (SMEI); Dravet syndrome; Epileptic encephalopathy, early infantile, 6 (Dravet syndrome); SEVERE MYOCLONIC EPILEPSY OF INFANCY. Identifiers: Orphanet 33069, MedGen C0751122, MONDO:0100135, OMIM 607208.

Submission:

Labcorp Genetics (formerly Invitae), Labcorp
Classification: Uncertain significance for Severe myoclonic epilepsy in infancy. Last evaluated: 2022-03-19. Review status: criteria provided, single submitter. Criteria: Invitae Variant Classification Sherloc (09022015). Collection method: clinical testing. Allele origin: germline.
Comment: This sequence change replaces phenylalanine, which is neutral and non-polar, with serine, which is neutral and polar, at codon 486 of the SNX27 protein (p.Phe486Ser). This variant is not present in population databases (gnomAD no frequency). In summary, the available evidence is currently insufficient to determine the role of this variant in disease. Therefore, it has been classified as a Variant of Uncertain Significance. Algorithms developed to predict the effect of missense changes on protein structure and function are either unavailable or do not agree on the potential impact of this missense change (SIFT: "Deleterious"; PolyPhen-2: "Probably Damaging"; Align-GVGD: "Class C0"). ClinVar contains an entry for this variant (Variation ID: 1059233). This variant has not been reported in the literature in individuals affected with SNX27-related conditions.